The following is an entry in ClinVar:

NM_022124.6(CDH23):c.7362+5G>A

Gene: CDH23 (cadherin related 23; plus strand). Cytogenetic location: 10q22.1.
Variant type: single nucleotide variant.
Coding change: c.7362+5G>A on transcript NM_022124.6 (MANE Select); 5 bases into the intron after coding-DNA position 7362, G replaced by A.
Molecular consequence: intron variant.
Genome position (GRCh38, 1-based): chr10:71,799,634, G>A. VCF-style: chr10-71799634-G-A. GRCh37 (hg19) VCF-style: chr10-73559391-G-A.
Other names: IVS51, G-A, +5; c.642+5G>A (NM_001171933.1, NM_001171934.1).
Identifiers: ClinVar variation 4918 (VCV000004918.15), dbSNP rs727502931, ClinGen allele CA253325.
Genomic context (GRCh38, chr10:71,799,634, plus strand): 5'-TCATTGAGTACAGCCTTGGAGATGGAGAGAGCAAGTTTGCCATCAACCCCACCACGGTGA[G>A]CAGTGATGGAGGGCCTGGAATTTGGAAGTGGGAAGGACCCAGGGTCAGAGACTGAGCAGC-3'

ClinVar aggregate classification (germline): Pathogenic/Likely pathogenic. Review status: criteria provided, multiple submitters, no conflicts (2 of 4 stars). 6 submissions from 6 submitters: Pathogenic (4); Likely pathogenic (1). 1 of the submissions does not count toward it. Last evaluated 2024-02-04.

Conditions:
CDH23-related disorder. Also called: CDH23-related condition; CDH23-related disorders.
Rare genetic deafness. Identifiers: Orphanet 96210, MedGen C5680250.
Pituitary adenoma 5, multiple types. Identifiers: MedGen C4539685, MONDO:0054601, OMIM 617540.
Usher syndrome type 1D (USH1D). Also called: USHER SYNDROME, TYPE ID. Identifiers: Orphanet 231169, Orphanet 886, MedGen C1832845, MONDO:0010984, OMIM 601067.

Allele frequency attached by ClinVar (database versions not stated): gnomAD exomes below 0.00001 and 0.00001; TOPMed 0.00001.
gnomAD v4.1: 4 of 1,614,046 alleles (0.00025%); highest among the groups gnomAD compares: Non-Finnish European, 0.00025%; no homozygotes.

Submissions (6):

Labcorp Genetics (formerly Invitae), Labcorp
Classification: Pathogenic. Last evaluated: 2024-02-04. Review status: criteria provided, single submitter. Criteria: Invitae Variant Classification Sherloc (09022015). Collection method: clinical testing. Allele origin: germline.
Comment: This sequence change falls in intron 52 of the CDH23 gene. It does not directly change the encoded amino acid sequence of the CDH23 protein. RNA analysis indicates that this variant induces altered splicing and likely results in a shortened protein product. This variant is present in population databases (rs727502931, gnomAD 0.01%). This variant has been observed in individual(s) with Usher syndrome (PMID: 11138009, 11857743, 23591405). In at least one individual the data is consistent with being in trans (on the opposite chromosome) from a pathogenic variant. This variant is also known as IVS51+5G>A. ClinVar contains an entry for this variant (Variation ID: 4918). Variants that disrupt the consensus splice site are a relatively common cause of aberrant splicing (PMID: 17576681, 9536098). Studies have shown that this variant results in skipping of exon 52, but is expected to preserve the integrity of the reading-frame (PMID: 11138009). For these reasons, this variant has been classified as Pathogenic.

Baylor Genetics
Classification: Pathogenic for Pituitary adenoma 5, multiple types. Last evaluated: 2023-06-29. Review status: criteria provided, single submitter. Criteria: ACMG Guidelines, 2015. Collection method: clinical testing. Allele origin: unknown.

Institute of Medical Genetics and Applied Genomics, University Hospital Tübingen
Classification: Pathogenic for Usher syndrome type 1D. Last evaluated: 2023-04-21. Review status: criteria provided, single submitter. Criteria: ACMG Guidelines, 2015. Collection method: clinical testing. Allele origin: germline. Inheritance: Autosomal recessive inheritance. Affected: yes.

Blueprint Genetics
Classification: Likely pathogenic for CDH23-related disorders. Last evaluated: 2017-07-03. Review status: criteria provided, single submitter. Criteria: ACMG Guidelines, 2015. Collection method: clinical testing. Allele origin: germline. Affected: yes. Observed: 1 variant allele.

Laboratory for Molecular Medicine, Mass General Brigham Personalized Medicine
Classification: Pathogenic for Rare genetic deafness. Last evaluated: 2013-09-25. Review status: criteria provided, single submitter. Criteria: LMM Criteria. Collection method: clinical testing. Allele origin: germline. Inheritance: Autosomal recessive inheritance. Observed: 1 variant allele.
Comment: The 7362+5G>A variant in CDH23 has been identified in three German individuals w ith Usher syndrome who were either homozygous or had a second variant in CDH23, and was not observed in at least 400 ethnically matched chromosomes (Bolz 2001, von Brederlow 2002, Glockle 2013). In addition, this variant is located in the c onserved 5' splice region, and functional analyses using RT-PCR reveal that the variant causes an in-frame skipping of exon 52 (Bolz 2001). In summary, this var iant meets our criteria to be classified as pathogenic (g/LMM) based upon its presence in individuals with Usher syndrome and its observ ed impact on splicing.

OMIM
Classification: Pathogenic for USHER SYNDROME, TYPE ID. Last evaluated: 2001-01-01. Review status: no assertion criteria provided. Collection method: literature only. Allele origin: germline. Not counted in ClinVar's aggregate classification.

Literature cited by the submitters: PubMed 11138009 (cited by 3 submitters); PubMed 11857743 (cited by Labcorp Genetics (formerly Invitae), Labcorp and Laboratory for Molecular Medicine, Mass General Brigham Personalized Medicine); PubMed 23591405 (cited by Labcorp Genetics (formerly Invitae), Labcorp and Laboratory for Molecular Medicine, Mass General Brigham Personalized Medicine); PubMed 17576681 (cited by Labcorp Genetics (formerly Invitae), Labcorp); PubMed 9536098 (cited by Labcorp Genetics (formerly Invitae), Labcorp).